The following is an entry in ClinVar:

ClinVar aggregate classification (germline): Uncertain significance (1 of 4 stars; one submission).

Conditions:
Nemaline myopathy 6 (NEM6). Also called: Nemaline myopathy 6, autosomal dominant. Identifiers: Orphanet 171439, MedGen C1836472, MONDO:0012237, OMIM 609273.

Submission:

Labcorp Genetics (formerly Invitae), Labcorp
Classification: Uncertain significance for Nemaline myopathy 6. Last evaluated: 2021-03-27. Review status: criteria provided, single submitter. Criteria: Invitae Variant Classification Sherloc (09022015). Collection method: clinical testing. Allele origin: germline.
Comment: This sequence change replaces valine with methionine at codon 26 of the KBTBD13 protein (p.Val26Met). The valine residue is weakly conserved and there is a small physicochemical difference between valine and methionine. This variant is not present in population databases (ExAC no frequency). This variant has not been reported in the literature in individuals with KBTBD13-related conditions. Algorithms developed to predict the effect of missense changes on protein structure and function (SIFT, PolyPhen-2, Align-GVGD) all suggest that this variant is likely to be tolerated, but these predictions have not been confirmed by published functional studies and their clinical significance is uncertain. In summary, the available evidence is currently insufficient to determine the role of this variant in disease. Therefore, it has been classified as a Variant of Uncertain Significance.

NM_001101362.3(KBTBD13):c.76G>A (p.Val26Met)

Gene: KBTBD13 (kelch repeat and BTB domain containing 13; plus strand). Cytogenetic location: 15q22.31.
Variant type: single nucleotide variant.
Coding change: c.76G>A on transcript NM_001101362.3 (MANE Select); coding-DNA position 76, G replaced by A.
Protein change: p.Val26Met; replaces valine 26 with methionine.
Molecular consequence: missense variant.
Genome position (GRCh38, 1-based): chr15:65,076,891, G>A. VCF-style: chr15-65076891-G-A. GRCh37 (hg19) VCF-style: chr15-65369229-G-A.
Other names: short protein forms V26M.
Identifiers: ClinVar variation 1420317 (VCV001420317.8), dbSNP rs775846405, ClinGen allele CA392856083.